The following is an entry in ClinVar:

NM_000264.5(PTCH1):c.1755T>G (p.Phe585Leu)

Genes: PTCH1 (patched 1; minus strand), LOC100507346 (uncharacterized LOC100507346; plus strand). Cytogenetic location: 9q22.32.
Variant type: single nucleotide variant.
Coding change: c.1755T>G on transcript NM_000264.5 (MANE Select); coding-DNA position 1755, T replaced by G.
Protein change: p.Phe585Leu; replaces phenylalanine 585 with leucine.
Molecular consequence: missense variant. On other transcripts: non-coding transcript variant (2).
Genome position (GRCh38, 1-based): chr9:95,469,905, A>C on the plus strand (T>G on the coding strand, the complement: PTCH1 is on the minus strand). VCF-style: chr9-95469905-A-C. GRCh37 (hg19) VCF-style: chr9-98232187-A-C.
Other names: c.1557T>G, p.Phe519Leu (NM_001083602.3); c.1752T>G, p.Phe584Leu (NM_001083603.3); c.1302T>G, p.Phe434Leu (NM_001083604.3, NM_001083605.3, NM_001083606.3 and 1 more transcripts); c.1599T>G, p.Phe533Leu (NM_001354918.2); short protein forms F533L, F584L, F519L, F434L, F585L.
Identifiers: ClinVar variation 3676808 (VCV003676808.2).

ClinVar aggregate classification (germline): Uncertain significance (1 of 4 stars; one submission).

Conditions:
Gorlin syndrome. Also called: Basal cell nevus syndrome; Nevoid Basal Cell Carcinoma Syndrome. Identifiers: Orphanet 377, MedGen C0004779, MONDO:0007187.

Submission:

Labcorp Genetics (formerly Invitae), Labcorp
Classification: Uncertain significance for Gorlin syndrome. Last evaluated: 2024-12-10. Review status: criteria provided, single submitter. Criteria: Invitae Variant Classification Sherloc (09022015). Collection method: clinical testing. Allele origin: germline.
Comment: This sequence change replaces phenylalanine, which is neutral and non-polar, with leucine, which is neutral and non-polar, at codon 585 of the PTCH1 protein (p.Phe585Leu). This variant is not present in population databases (gnomAD no frequency). This variant has not been reported in the literature in individuals affected with PTCH1-related conditions. Invitae Evidence Modeling of protein sequence and biophysical properties (such as structural, functional, and spatial information, amino acid conservation, physicochemical variation, residue mobility, and thermodynamic stability) indicates that this missense variant is not expected to disrupt PTCH1 protein function with a negative predictive value of 95%. In summary, the available evidence is currently insufficient to determine the role of this variant in disease. Therefore, it has been classified as a Variant of Uncertain Significance.